The following is an entry in ClinVar:

NM_133642.5(LARGE1):c.309C>T (p.Ser103=)

Gene: LARGE1 (LARGE xylosyl- and glucuronyltransferase 1; minus strand). Cytogenetic location: 22q12.3.
Variant type: single nucleotide variant.
Coding change: c.309C>T on transcript NM_133642.5 (MANE Select); coding-DNA position 309, C replaced by T.
Protein change: p.Ser103=; no amino-acid change (serine 103 retained).
Molecular consequence: synonymous variant.
Genome position (GRCh38, 1-based): chr22:33,650,466, G>A on the plus strand (C>T on the coding strand, the complement: LARGE1 is on the minus strand). VCF-style: chr22-33650466-G-A. GRCh37 (hg19) VCF-style: chr22-34046452-G-A.
Other names: p.S103S:TCC>TCT; p.Ser103=; c.309C>T, p.Ser103= (NM_001362949.2, NM_001362951.2, NM_001362953.2 and 7 more transcripts); c.309C>T (NM_004737.6).
Identifiers: ClinVar variation 95174 (VCV000095174.27), dbSNP rs59349720, ClinGen allele CA285638.

ClinVar aggregate classification (germline): Benign/Likely benign. Review status: criteria provided, multiple submitters, no conflicts (2 of 4 stars). 10 submissions from 9 submitters: Benign (6); Likely benign (3). 1 of the submissions does not count toward it. Last evaluated 2026-02-01.

Conditions:
Muscular dystrophy-dystroglycanopathy (congenital with brain and eye anomalies), type A6. Also called: WALKER-WARBURG SYNDROME OR MUSCLE-EYE-BRAIN DISEASE, LARGE-RELATED; MUSCULAR DYSTROPHY-DYSTROGLYCANOPATHY (CONGENITAL WITH BRAIN AND EYE ANOMALIES), TYPE A, 6. Identifiers: Orphanet 588, Orphanet 899, MedGen C3150414, MONDO:0013158, OMIM 613154.
Muscular dystrophy-dystroglycanopathy type B6 (MDDGB6). Also called: MUSCULAR DYSTROPHY-DYSTROGLYCANOPATHY (CONGENITAL WITH IMPAIRED INTELLECTUAL DEVELOPMENT), TYPE B, 6; MUSCULAR DYSTROPHY, CONGENITAL, LARGE-RELATED; MUSCULAR DYSTROPHY, CONGENITAL, TYPE 1D. Identifiers: MedGen C1837229, MONDO:0012138, OMIM 608840.

Allele frequency attached by ClinVar (database versions not stated): gnomAD exomes 0.00173 and 0.00457; ExAC 0.00564; gnomAD 0.01803 and 0.01920; TOPMed 0.01988; ESP Exome Variant Server 0.02014; 1000 Genomes Project 0.02276; 1000 Genomes Project 30x 0.02514.
gnomAD v4.1: 5,343 of 1,614,076 alleles (0.33%); highest among the groups gnomAD compares: African/African-American, 6.4%; 163 homozygotes.

Submissions (10):

Labcorp Genetics (formerly Invitae), Labcorp
Classification: Benign for Muscular dystrophy-dystroglycanopathy type B6. Last evaluated: 2026-02-01. Review status: criteria provided, single submitter. Criteria: Invitae Variant Classification Sherloc (09022015). Collection method: clinical testing. Allele origin: germline.

Athena Diagnostics
Classification: Benign. Last evaluated: 2024-12-23. Review status: criteria provided, single submitter. Criteria: Athena Diagnostics Criteria. Collection method: clinical testing. Allele origin: unknown.
Comment: The frequency of this variant in the general population is higher than would generally be expected for pathogenic variants in this gene.

Mayo Clinic Laboratories, Mayo Clinic
Classification: Benign. Last evaluated: 2018-05-23. Review status: criteria provided, single submitter. Criteria: ACMG Guidelines, 2015. Collection method: clinical testing. Allele origin: germline. Observed: 14 variant alleles.

Illumina Laboratory Services, Illumina
Classification: Likely benign for Muscular dystrophy-dystroglycanopathy type B6. Last evaluated: 2017-04-27. Review status: criteria provided, single submitter. Criteria: ICSL Variant Classification Criteria 13 December 2019. Collection method: clinical testing. Allele origin: germline.
Comment: This variant was observed as part of a predisposition screen in an ostensibly healthy population. A literature search was performed for the gene, cDNA change, and amino acid change (where applicable). No publications were found based on this search. Allele frequency data from public databases allowed determination this variant is unlikely to cause disease. Therefore, this variant is classified as likely benign.

Illumina Laboratory Services, Illumina
Classification: Likely benign for Muscular dystrophy-dystroglycanopathy (congenital with brain and eye anomalies), type A6. Last evaluated: 2017-04-27. Review status: criteria provided, single submitter. Criteria: ICSL Variant Classification Criteria 13 December 2019. Collection method: clinical testing. Allele origin: germline.
Comment: the same text as in the submission from Illumina Laboratory Services, Illumina above.

GeneDx
Classification: Benign. Last evaluated: 2014-06-25. Review status: criteria provided, single submitter. Criteria: GeneDx Variant Classification (06012015). Collection method: clinical testing. Allele origin: germline. Affected: yes.
Comment: This variant is considered likely benign or benign based on one or more of the following criteria: it is a conservative change, it occurs at a poorly conserved position in the protein, it is predicted to be benign by multiple in silico algorithms, and/or has population frequency not consistent with disease.

Eurofins Ntd Llc (ga)
Classification: Benign. Last evaluated: 2012-11-15. Review status: criteria provided, single submitter. Criteria: EGL Classification Definitions 2015. Collection method: clinical testing. Allele origin: germline. Observed: 1 variant allele, 1 heterozygote.

Breakthrough Genomics
Classification: Likely benign. Review status: criteria provided, single submitter. Criteria: ACMG Guidelines, 2015. Collection method: not provided. Allele origin: germline. Inheritance: Autosomal recessive inheritance. Affected: yes.

PreventionGenetics, part of Exact Sciences
Classification: Benign. Review status: criteria provided, single submitter. Criteria: ACMG Guidelines, 2015. Collection method: clinical testing. Allele origin: germline.

Genetic Services Laboratory, University of Chicago
Classification: Likely benign. Review status: no assertion criteria provided. Collection method: clinical testing. Allele origin: germline. Inheritance: Autosomal recessive inheritance. Not counted in ClinVar's aggregate classification.
Comment: Likely benign based on allele frequency in 1000 Genomes Project or ESP global frequency and its presence in a patient with a rare or unrelated disease phenotype. NOT Sanger confirmed